The following is an entry in ClinVar:

NM_001360016.2(G6PD):c.864+44del

Gene: G6PD (glucose-6-phosphate dehydrogenase; minus strand). Cytogenetic location: Xq28.
Variant type: Deletion.
Coding change: c.864+44del on transcript NM_001360016.2 (MANE Select); 44 bases into the intron after coding-DNA position 864, one base deleted (G; older notation c.864+44delG).
Molecular consequence: intron variant.
Genome position (GRCh38, 1-based): chrX:154,533,532, C deleted on the plus strand (G on the coding strand, the reverse complement: G6PD is on the minus strand); the first of 2 consecutive C bases (chrX:154,533,532-154,533,533); deleting either gives the same sequence. VCF-style (leftmost placement, unchanged base first): chrX-154533531-GC-G. GRCh37 (hg19) VCF-style: chrX-153761746-GC-G.
Other names: c.954+44del (NM_000402.4); c.864+44del (NM_001042351.3).
Identifiers: ClinVar variation 1722595 (VCV001722595.2), dbSNP rs2523265233, ClinGen allele CA2580101927.
Genomic context (GRCh38, chrX:154,533,531, plus strand): 5'-CCGGGGTTGAGGACACCTGCTCTGCATGCACACCCCAGCTCAGTGCCTCGTCACAGATGG[GC>G]CTGCGACAGGGCATGCTCCTGGGGACTGGGGTGCACCCCCTACCTTCTCATCACGGACGT-3'

ClinVar aggregate classification (germline): Likely pathogenic (1 of 4 stars; one submission).

Conditions:
Anemia, nonspherocytic hemolytic, due to G6PD deficiency (CNSHA1). Also called: Hemolytic anemia due to G6PD deficiency; Class I glucose-6-phosphate dehydrogenase deficiency; Favism, susceptibility to; ANEMIA, CONGENITAL, NONSPHEROCYTIC HEMOLYTIC, 1. Identifiers: Orphanet 466026, MedGen C2720289, MONDO:0010480, OMIM 300908.

Submission:

Dunham Lab, University of Washington
Classification: Likely pathogenic for Anemia, nonspherocytic hemolytic, due to G6PD deficiency. Last evaluated: 2022-08-12. Review status: criteria provided, single submitter. Criteria: Bayesian ACMG Guidelines, 2018. Collection method: curation. Allele origin: unknown. Affected: yes.
Comment: Variant found in unrelated hemizygotes with G6PD deficiency (PS4_M, PP4). Decreased activity in red blood cells (25-60%) (PS3). Not found in gnomAD (PM2). Post_P 0.988 (odds of pathogenicity 729.3, Prior_P 0.1).

Literature cited by the submitters: PubMed 22552160; PubMed 18226470.